The following is an entry in ClinVar:

ClinVar aggregate classification (germline): Uncertain significance. Review status: criteria provided, multiple submitters, no conflicts (2 of 4 stars). 4 submissions from 4 submitters: Uncertain significance (4). Last evaluated 2026-02-17.

Conditions:
Ehlers-Danlos syndrome, classic type, 2 (EDSCL2). Also called: Ehlers-Danlos syndrome type 2 (formerly); Ehlers-Danlos Syndrome, Classic Type, COL5A2-Related; Ehlers-Danlos syndrome, type 2. Identifiers: Orphanet 287, Orphanet 90318, MedGen C0268336, MONDO:0019568, OMIM 130010.
Ehlers-Danlos syndrome, classic type, 1 (EDSCL1). Also called: EHLERS-DANLOS SYNDROME, GRAVIS TYPE; EHLERS-DANLOS SYNDROME, SEVERE CLASSIC TYPE; EDS I; Ehlers-Danlos Syndrome, Classic Type, COL5A1-Related; Ehlers-Danlos syndrome, type 1. Identifiers: MedGen C0268335, MONDO:0019567, OMIM 130000.
Familial thoracic aortic aneurysm and aortic dissection (TAAD). Also called: Thoracic aortic aneurysms and dissections. Identifiers: Orphanet 91387, MedGen C4707243, MONDO:0019625.

Allele frequency attached by ClinVar (database versions not stated): TOPMed 0.00001.
gnomAD v4.1: 9 of 1,612,828 alleles (0.00056%); highest among the groups gnomAD compares: Non-Finnish European, 0.00068%; no homozygotes.

Submissions (4):

Women's Health and Genetics/Laboratory Corporation of America, LabCorp
Classification: Uncertain significance. Last evaluated: 2026-02-17. Review status: criteria provided, single submitter. Criteria: LabCorp Variant Classification Summary - May 2015. Collection method: clinical testing. Allele origin: germline.
Comment: Variant summary: COL5A2 c.905G>T (p.Arg302Leu) results in a non-conservative amino acid change in the encoded protein sequence. Algorithms developed to predict the effect of missense changes on protein structure and function all suggest that this variant is likely to be disruptive. Consensus agreement among computation tools predict no significant impact on normal splicing. However, these predictions have yet to be confirmed by functional studies. The variant allele was found at a frequency of 8e-06 in 251342 control chromosomes. The available data on variant occurrences in the general population are insufficient to allow any conclusion about variant significance. To our knowledge, no occurrence of c.905G>T in individuals affected with COL5A2-related conditions and no experimental evidence demonstrating its impact on protein function have been reported. ClinVar contains an entry for this variant (Variation ID: 1017859). Based on the evidence outlined above, the variant was classified as uncertain significance.

Ambry Genetics
Classification: Uncertain significance for Familial thoracic aortic aneurysm and aortic dissection. Last evaluated: 2024-04-26. Review status: criteria provided, single submitter. Criteria: Ambry Variant Classification Scheme 2023. Collection method: clinical testing. Allele origin: germline.
Comment: The p.R302L variant (also known as c.905G>T), located in coding exon 13 of the COL5A2 gene, results from a G to T substitution at nucleotide position 905. The arginine at codon 302 is replaced by leucine, an amino acid with dissimilar properties. This amino acid position is highly conserved in available vertebrate species. In addition, the in silico prediction for this alteration is inconclusive. Based on the available evidence, the clinical significance of this variant remains unclear.

Fulgent Genetics
Classification: Uncertain significance for Ehlers-Danlos syndrome, classic type, 2. Last evaluated: 2024-01-10. Review status: criteria provided, single submitter. Criteria: ACMG Guidelines, 2015. Collection method: clinical testing. Allele origin: germline.

Labcorp Genetics (formerly Invitae), Labcorp
Classification: Uncertain significance for Ehlers-Danlos syndrome, classic type, 1. Last evaluated: 2021-08-20. Review status: criteria provided, single submitter. Criteria: Invitae Variant Classification Sherloc (09022015). Collection method: clinical testing. Allele origin: germline.
Comment: This sequence change replaces arginine with leucine at codon 302 of the COL5A2 protein (p.Arg302Leu). The arginine residue is highly conserved and there is a moderate physicochemical difference between arginine and leucine. This variant is present in population databases (rs545574407, ExAC 0.002%). This variant has not been reported in the literature in individuals affected with COL5A2-related conditions. Algorithms developed to predict the effect of missense changes on protein structure and function (SIFT, PolyPhen-2, Align-GVGD) all suggest that this variant is likely to be disruptive. In summary, the available evidence is currently insufficient to determine the role of this variant in disease. Therefore, it has been classified as a Variant of Uncertain Significance.

NM_000393.5(COL5A2):c.905G>T (p.Arg302Leu)

Gene: COL5A2 (collagen type V alpha 2 chain; minus strand). Cytogenetic location: 2q32.2.
Variant type: single nucleotide variant.
Coding change: c.905G>T on transcript NM_000393.5 (MANE Select); coding-DNA position 905, G replaced by T.
Protein change: p.Arg302Leu; replaces arginine 302 with leucine.
Molecular consequence: missense variant.
Genome position (GRCh38, 1-based): chr2:189,080,991, C>A on the plus strand (G>T on the coding strand, the complement: COL5A2 is on the minus strand). VCF-style: chr2-189080991-C-A. GRCh37 (hg19) VCF-style: chr2-189945717-C-A.
Other names: c.905G>T (NM_000393.3); short protein forms R302L.
Identifiers: ClinVar variation 1017859 (VCV001017859.10), dbSNP rs545574407, ClinGen allele CA2022913.